The following is an entry in ClinVar:

NM_024312.5(GNPTAB):c.3091C>T (p.Arg1031Ter)

Gene: GNPTAB (N-acetylglucosamine-1-phosphate transferase subunits alpha and beta; minus strand). Cytogenetic location: 12q23.2.
Variant type: single nucleotide variant.
Coding change: c.3091C>T on transcript NM_024312.5 (MANE Select); coding-DNA position 3091, C replaced by T.
Protein change: p.Arg1031Ter; replaces arginine 1031 with a stop codon.
Molecular consequence: nonsense.
Genome position (GRCh38, 1-based): chr12:101,761,171, G>A on the plus strand (C>T on the coding strand, the complement: GNPTAB is on the minus strand). VCF-style: chr12-101761171-G-A. GRCh37 (hg19) VCF-style: chr12-102154949-G-A.
Other names: short protein forms R1031*.
Identifiers: ClinVar variation 39065 (VCV000039065.17), dbSNP rs281865009, ClinGen allele CA343389.
Genomic context (GRCh38, chr12:101,761,171, plus strand): 5'-TAAGACAATACAACACCTGCAAACTTAACGGCAGTTCGTGAATTCTGGTAGCCAGTGTTC[G>A]GATTTCTCTGTCAGACAAGACACCAGATTGATCTGTATCAACTTCATCAAAGACTTGAGA-3'

ClinVar aggregate classification (germline): Pathogenic. Review status: criteria provided, multiple submitters, no conflicts (2 of 4 stars). 6 submissions from 6 submitters: Pathogenic (4). 2 of the submissions do not count toward it. Last evaluated 2025-09-02.

Conditions:
Mucolipidosis. Also called: Mucolipidoses. Identifiers: Orphanet 79212, MedGen C0026697, MONDO:0019248.
Mucolipidosis type II. Also called: Mucolipidosis 2; ML 2; Inclusion cell disease; Leroy Disease; N-acetylglucosamine 1phosphotransferase deficiency; ML disorder type 2. Identifiers: Orphanet 576, MedGen C2673377, MONDO:0009650, OMIM 252500.
Pseudo-Hurler polydystrophy. Also called: Type III Mucolipidosis; ML IIIA; Mucolipidosis III Alpha/Beta; MUCOLIPIDOSIS IIIA; ML III; ML III ALPHA/BETA. Identifiers: Orphanet 423461, Orphanet 577, MedGen C0033788, MONDO:0018931, OMIM 252600.

Allele frequency attached by ClinVar (database versions not stated): gnomAD 0.00001; gnomAD exomes 0.00001 and below 0.00001; TOPMed 0.00002.
gnomAD v4.1: 10 of 1,613,878 alleles (0.00062%); highest among the groups gnomAD compares: East Asian, 0.0022%; no homozygotes.

Submissions (6):

Labcorp Genetics (formerly Invitae), Labcorp
Classification: Pathogenic for Pseudo-Hurler polydystrophy; Mucolipidosis type II. Last evaluated: 2025-09-02. Review status: criteria provided, single submitter. Criteria: Invitae Variant Classification Sherloc (09022015). Collection method: clinical testing. Allele origin: germline.
Comment: This sequence change creates a premature translational stop signal (p.Arg1031*) in the GNPTAB gene. It is expected to result in an absent or disrupted protein product. Loss-of-function variants in GNPTAB are known to be pathogenic (PMID: 19617216, 25107912). This variant is present in population databases (rs281865009, gnomAD 0.006%). This premature translational stop signal has been observed in individual(s) with mucolipidosis II (PMID: 19617216, 23227064, 29872134). ClinVar contains an entry for this variant (Variation ID: 39065). Algorithms developed to predict the effect of sequence changes on RNA splicing suggest that this variant may disrupt the consensus splice site. For these reasons, this variant has been classified as Pathogenic.

Natera, Inc.
Classification: Pathogenic for Mucolipidosis type II. Last evaluated: 2024-07-07. Review status: criteria provided, single submitter. Criteria: Natera Variant Classification Schema (03/2026). Collection method: clinical testing. Allele origin: germline.
Comment: The c.3091C>T variant in GNPTAB is a nonsense variant predicted to introduce a stop codon at amino acid 1031. This variant is expected to result in nonsense mediated decay, truncation, or a dysfunctional protein product. This variant is rare in the general population with a frequency below the threshold expected for the associated phenotype(s). This variant has been observed in one or more individuals affected with the associated recessive disease, as either homozygous or compound heterozygous with a second variant (PMID: 19617216, 23227064). Given the available evidence, this variant is classified as Pathogenic.

MGZ Medical Genetics Center
Classification: Pathogenic for Pseudo-Hurler polydystrophy. Last evaluated: 2021-09-02. Review status: criteria provided, single submitter. Criteria: ACMG Guidelines, 2015. Collection method: clinical testing. Allele origin: germline. Affected: yes. Observed: 1 variant allele.
Comment: ACMG criteria applied: PVS1, PM3, PS4_SUP, PM2_SUP

Women's Health and Genetics/Laboratory Corporation of America, LabCorp
Classification: Pathogenic for Mucolipidosis. Last evaluated: 2017-09-08. Review status: criteria provided, single submitter. Criteria: LabCorp Variant Classification Summary - May 2015. Collection method: clinical testing. Allele origin: germline.
Comment: Variant summary: The GNPTAB c.3091C>T (p.Arg1031X) variant results in a premature termination codon, predicted to cause a truncated or absent GNPTAB protein due to nonsense mediated decay, which are commonly known mechanisms for disease. Truncations downstream of this position have been classified as pathogenic by our laboratory (e.g. c.3410T>A (p.Leu1137X) and c.3503_3504delTC (p.Leu1168fsX5)). This variant was found in 1/246136 control chromosomes at a frequency of 0.0000041, which does not exceed the estimated maximal expected allele frequency of a pathogenic GNPTAB variant (0.0022361). Multiple publications have cited the variant in compound heterozygote ML2 individuals. A reputable database, GeneReviews, classifies the variant as "pathogenic." Taken together, this variant is classified as pathogenic.

Counsyl
Classification: Pathogenic for Mucolipidosis type II; Pseudo-Hurler polydystrophy. Last evaluated: 2017-05-22. Review status: no assertion criteria provided. Collection method: clinical testing. Allele origin: unknown. Not counted in ClinVar's aggregate classification.

GeneReviews
No classification provided. Condition: Mucolipidosis type II. Review status: no classification provided. Collection method: literature only. Allele origin: unknown. Not counted in ClinVar's aggregate classification.

Literature cited by the submitters: PubMed 19617216 (cited by 5 submitters); PubMed 25107912 (cited by Labcorp Genetics (formerly Invitae), Labcorp); PubMed 23227064 (cited by 4 submitters); PubMed 29872134 (cited by Labcorp Genetics (formerly Invitae), Labcorp); PubMed 20301728 (cited by GeneReviews); NCBI Bookshelf NBK1828 (cited by GeneReviews).